The following is an entry in ClinVar:

ClinVar aggregate classification (germline): Pathogenic/Likely pathogenic. Review status: criteria provided, multiple submitters, no conflicts (2 of 4 stars). 2 submissions from 2 submitters: Pathogenic (1); Likely pathogenic (1). Last evaluated 2023-02-22.

Conditions:
Autosomal recessive osteopetrosis 1. Also called: ALBERS-SCHONBERG DISEASE, AUTOSOMAL RECESSIVE; TCIRG1-Related Autosomal Recessive Osteopetrosis; TCIRG1-Related Osteopetrosis. Identifiers: Orphanet 667, MedGen C1850127, MONDO:0009815, OMIM 259700.

Submissions (2):

Labcorp Genetics (formerly Invitae), Labcorp
Classification: Pathogenic. Last evaluated: 2023-02-22. Review status: criteria provided, single submitter. Criteria: Invitae Variant Classification Sherloc (09022015). Collection method: clinical testing. Allele origin: germline.
Comment: For these reasons, this variant has been classified as Pathogenic. This variant has not been reported in the literature in individuals affected with TCIRG1-related conditions. This variant is not present in population databases (gnomAD no frequency). This sequence change creates a premature translational stop signal (p.Gln249*) in the TCIRG1 gene. It is expected to result in an absent or disrupted protein product. Loss-of-function variants in TCIRG1 are known to be pathogenic (PMID: 10888887, 10942435, 11532986, 19448635).

Baylor Genetics
Classification: Likely pathogenic for Autosomal recessive osteopetrosis 1. Last evaluated: 2022-09-27. Review status: criteria provided, single submitter. Criteria: ACMG Guidelines, 2015. Collection method: clinical testing. Allele origin: unknown.

Literature cited by the submitters: PubMed 10888887 (cited by Labcorp Genetics (formerly Invitae), Labcorp); PubMed 10942435 (cited by Labcorp Genetics (formerly Invitae), Labcorp); PubMed 11532986 (cited by Labcorp Genetics (formerly Invitae), Labcorp); PubMed 19448635 (cited by Labcorp Genetics (formerly Invitae), Labcorp).

NM_006019.4(TCIRG1):c.745C>T (p.Gln249Ter)

Gene: TCIRG1 (T cell immune regulator 1, ATPase H+ transporting V0 subunit a3; plus strand). Cytogenetic location: 11q13.2.
Variant type: single nucleotide variant.
Coding change: c.745C>T on transcript NM_006019.4 (MANE Select); coding-DNA position 745, C replaced by T.
Protein change: p.Gln249Ter; replaces glutamine 249 with a stop codon.
Molecular consequence: nonsense. On other transcripts: 5 prime UTR variant (1).
Genome position (GRCh38, 1-based): chr11:68,043,845, C>T. VCF-style: chr11-68043845-C-T. GRCh37 (hg19) VCF-style: chr11-67811312-C-T.
Other names: c.-150C>T (NM_001351059.2); c.97C>T, p.Gln33Ter (NM_006053.4); short protein forms Q249*, Q33*.
Identifiers: ClinVar variation 2679133 (VCV002679133.4), dbSNP rs751988410, ClinGen allele CA381579135.